The following is an entry in ClinVar:

ClinVar aggregate classification (germline): Uncertain significance (1 of 4 stars; one submission).

Conditions:
Congenital myasthenic syndrome 8. Also called: MYASTHENIC SYNDROME, CONGENITAL, DUE TO AGRIN DEFICIENCY; Myasthenic syndrome, congenital, 8, with pre- and postsynaptic defects. Identifiers: Orphanet 590, MedGen C3808739, MONDO:0014052, OMIM 615120.

Allele frequency attached by ClinVar (database versions not stated): gnomAD exomes 0.00001; TOPMed 0.00001.
gnomAD v4.1: 15 of 1,610,518 alleles (0.00093%); highest among the groups gnomAD compares: Admixed American, 0.0017%; no homozygotes.

Submission:

Labcorp Genetics (formerly Invitae), Labcorp
Classification: Uncertain significance for Congenital myasthenic syndrome 8. Last evaluated: 2022-08-16. Review status: criteria provided, single submitter. Criteria: Invitae Variant Classification Sherloc (09022015). Collection method: clinical testing. Allele origin: germline.
Comment: This variant is not present in population databases (gnomAD no frequency). This sequence change replaces glycine, which is neutral and non-polar, with alanine, which is neutral and non-polar, at codon 1582 of the AGRN protein (p.Gly1582Ala). This variant has not been reported in the literature in individuals affected with AGRN-related conditions. ClinVar contains an entry for this variant (Variation ID: 1358405). Algorithms developed to predict the effect of missense changes on protein structure and function are either unavailable or do not agree on the potential impact of this missense change (SIFT: "Deleterious"; PolyPhen-2: "Probably Damaging"; Align-GVGD: "Class C0"). Algorithms developed to predict the effect of sequence changes on RNA splicing suggest that this variant may disrupt the consensus splice site. In summary, the available evidence is currently insufficient to determine the role of this variant in disease. Therefore, it has been classified as a Variant of Uncertain Significance.

NM_198576.4(AGRN):c.4745G>C (p.Gly1582Ala)

Gene: AGRN (agrin; plus strand). Cytogenetic location: 1p36.33.
Variant type: single nucleotide variant.
Coding change: c.4745G>C on transcript NM_198576.4 (MANE Select); coding-DNA position 4745, G replaced by C.
Protein change: p.Gly1582Ala; replaces glycine 1582 with alanine.
Molecular consequence: missense variant.
Genome position (GRCh38, 1-based): chr1:1,049,903, G>C. VCF-style: chr1-1049903-G-C. GRCh37 (hg19) VCF-style: chr1-985283-G-C.
Other names: c.4745G>C, p.Gly1582Ala (NM_001305275.2); c.4430G>C, p.Gly1477Ala (NM_001364727.2); short protein forms G1477A, G1582A.
Identifiers: ClinVar variation 1358405 (VCV001358405.7), dbSNP rs202069635, ClinGen allele CA337779314.
Genomic context (GRCh38, chr1:1,049,903, plus strand): 5'-GGCGGTACCCAACCGACGCCTCCTGGGACCTCGGTCCCGGTCCCGTCTTCCTCCATCCAG[G>C]ACCAACCTGTGCCGATGAGAAGAGCCCCTGCCAGCCCAACCCCTGCCATGGGGCGGCGCC-3'
Protein context (NP_940978.2, residues 1572-1592): FHCQCPPGRV[Gly1582Ala]PTCADEKSPC